The following is an entry in ClinVar:

ClinVar aggregate classification (germline): Uncertain significance (1 of 4 stars; one submission).

Allele frequency attached by ClinVar (database versions not stated): gnomAD exomes below 0.00001.
gnomAD v4.1: 1 of 1,614,184 alleles (0.000062%); highest among the groups gnomAD compares: Non-Finnish European, 0.000085%; no homozygotes.

Submission:

Ambry Genetics
Classification: Uncertain significance. Last evaluated: 2025-02-15. Review status: criteria provided, single submitter. Criteria: Ambry Variant Classification Scheme 2023. Collection method: clinical testing. Allele origin: germline.
Comment: The p.T145I variant (also known as c.434C>T), located in coding exon 1 of the MLH3 gene, results from a C to T substitution at nucleotide position 434. The threonine at codon 145 is replaced by isoleucine, an amino acid with similar properties. This amino acid position is conserved. In addition, this alteration is predicted to be deleterious by in silico analysis. Since supporting evidence is limited at this time, the clinical significance of this alteration remains unclear.

NM_001040108.2(MLH3):c.434C>T (p.Thr145Ile)

Gene: MLH3 (mutL homolog 3; minus strand). Cytogenetic location: 14q24.3.
Variant type: single nucleotide variant.
Coding change: c.434C>T on transcript NM_001040108.2 (MANE Select); coding-DNA position 434, C replaced by T.
Protein change: p.Thr145Ile; replaces threonine 145 with isoleucine.
Molecular consequence: missense variant.
Genome position (GRCh38, 1-based): chr14:75,049,222, G>A on the plus strand (C>T on the coding strand, the complement: MLH3 is on the minus strand). VCF-style: chr14-75049222-G-A. GRCh37 (hg19) VCF-style: chr14-75515925-G-A.
Other names: c.434C>T, p.Thr145Ile (NM_014381.3); short protein forms T145I.
Identifiers: ClinVar variation 1739918 (VCV001739918.3), dbSNP rs2139605993, ClinGen allele CA390450308.